The following is an entry in ClinVar:

NM_001374736.1(DST):c.20174C>T (p.Pro6725Leu)

Gene: DST (dystonin; minus strand). Cytogenetic location: 6p12.1.
Variant type: single nucleotide variant.
Coding change: c.20174C>T on transcript NM_001374736.1 (MANE Select); coding-DNA position 20174, C replaced by T.
Protein change: p.Pro6725Leu; replaces proline 6725 with leucine.
Molecular consequence: missense variant.
Genome position (GRCh38, 1-based): chr6:56,497,428, G>A on the plus strand (C>T on the coding strand, the complement: DST is on the minus strand). VCF-style: chr6-56497428-G-A. GRCh37 (hg19) VCF-style: chr6-56362226-G-A.
Other names: c.13817C>T, p.Pro4606Leu (NM_001144769.5); c.13403C>T, p.Pro4468Leu (NM_001144770.2); c.20174C>T, p.Pro6725Leu (NM_001374722.1); c.19214C>T, p.Pro6405Leu (NM_001374729.1); c.12956C>T, p.Pro4319Leu (NM_001374730.1); c.20201C>T, p.Pro6734Leu (NM_001374734.1); c.13283C>T, p.Pro4428Leu (NM_001386100.1, NM_183380.4); c.12305C>T, p.Pro4102Leu (NM_015548.5); and 1 more; short protein forms P4102L, P4319L, P4428L, P4468L, P4606L, P6405L, P6725L, P6734L.
Identifiers: ClinVar variation 1026553 (VCV001026553.5), dbSNP rs372733281, ClinGen allele CA3866822.

ClinVar aggregate classification (germline): Uncertain significance. Review status: criteria provided, multiple submitters, no conflicts (2 of 4 stars). 2 submissions from 2 submitters: Uncertain significance (2). Last evaluated 2026-02-28.

Conditions:
DST-related disorder. Also called: DST-related condition; DST-related disorders.
Hereditary sensory and autonomic neuropathy type 6. Also called: Neuropathy, hereditary sensory and autonomic, type VI; HSAN VI. Identifiers: Orphanet 314381, MedGen C3539003, MONDO:0013839, OMIM 614653.
Epidermolysis bullosa simplex 3, localized or generalized intermediate, with BP230 deficiency (EBS3). Also called: Epidermolysis bullosa simplex, autosomal recessive 2; Epidermolysis bullosa simplex due to BP230 deficiency. Identifiers: Orphanet 412181, MedGen C3809470, MONDO:0014180, OMIM 615425.

Allele frequency attached by ClinVar (database versions not stated): TOPMed 0.00001; gnomAD 0.00002 and 0.00003; gnomAD exomes 0.00002; ExAC 0.00003; ESP Exome Variant Server 0.00008.
gnomAD v4.1: 37 of 1,613,020 alleles (0.0023%); highest among the groups gnomAD compares: Admixed American, 0.0083%; no homozygotes.

Submissions (2):

PreventionGenetics, part of Exact Sciences
Classification: Uncertain significance for DST-related condition. Last evaluated: 2026-02-28. Review status: criteria provided, single submitter. Criteria: ACMG Guidelines, 2015. Collection method: clinical testing. Allele origin: germline.
Comment: The DST c.13817C>T variant is predicted to result in the amino acid substitution p.Pro4606Leu. To our knowledge, this variant has not been reported in the literature. This variant is reported in 0.0087% of alleles in individuals of Latino descent in gnomAD. At this time, the clinical significance of this variant is uncertain due to the absence of conclusive functional and genetic evidence.

Labcorp Genetics (formerly Invitae), Labcorp
Classification: Uncertain significance for Epidermolysis bullosa simplex 3, localized or generalized intermediate, with BP230 deficiency; Hereditary sensory and autonomic neuropathy type 6. Last evaluated: 2022-05-28. Review status: criteria provided, single submitter. Criteria: Invitae Variant Classification Sherloc (09022015). Collection method: clinical testing. Allele origin: germline.
Comment: The DST gene has multiple clinically relevant transcripts. This variant occurs in alternate transcript NM_015548.4, and corresponds to NM_001723.5:c.*118089C>T in the primary transcript. This sequence change replaces proline, which is neutral and non-polar, with leucine, which is neutral and non-polar, at codon 4102 of the DST protein (p.Pro4102Leu). This variant is present in population databases (rs372733281, gnomAD 0.01%). This variant has not been reported in the literature in individuals affected with DST-related conditions. Experimental studies and prediction algorithms are not available or were not evaluated, and the functional significance of this variant is currently unknown. In summary, the available evidence is currently insufficient to determine the role of this variant in disease. Therefore, it has been classified as a Variant of Uncertain Significance.